The following is an entry in ClinVar:

NM_024426.6(WT1):c.491C>G (p.Ala164Gly)

Genes: WT1 (WT1 transcription factor; minus strand), LOC107982234 (WT1/WT1-AS bi-directional promoter region; plus strand). Cytogenetic location: 11p13.
Variant type: single nucleotide variant.
Coding change: c.491C>G on transcript NM_024426.6 (MANE Select); coding-DNA position 491, C replaced by G.
Protein change: p.Ala164Gly; replaces alanine 164 with glycine.
Molecular consequence: missense variant. On other transcripts: non-coding transcript variant (2).
Genome position (GRCh38, 1-based): chr11:32,434,870, G>C on the plus strand (C>G on the coding strand, the complement: WT1 is on the minus strand). VCF-style: chr11-32434870-G-C. GRCh37 (hg19) VCF-style: chr11-32456416-G-C.
Other names: c.491C>G, p.Ala164Gly (NM_000378.6, NM_001407044.1, NM_001407045.1 and 6 more transcripts); c.272C>G, p.Ala91Gly (NM_001429031.1, NM_001429032.1, NM_001429033.1 and 1 more transcripts); short protein forms A159G, A164G, A91G.
Identifiers: ClinVar variation 3817481 (VCV003817481.1).

ClinVar aggregate classification (germline): Uncertain significance (1 of 4 stars; one submission).

Conditions:
Inborn genetic diseases. Identifiers: MedGen C0950123, MeSH D030342.

Submission:

Ambry Genetics
Classification: Uncertain significance for Inborn genetic diseases. Last evaluated: 2025-02-14. Review status: criteria provided, single submitter. Criteria: Ambry Variant Classification Scheme 2023. Collection method: clinical testing. Allele origin: germline.
Comment: The p.A159G variant (also known as c.476C>G), located in coding exon 1 of the WT1 gene, results from a C to G substitution at nucleotide position 476. The alanine at codon 159 is replaced by glycine, an amino acid with similar properties. This amino acid position is conserved. In addition, the in silico prediction for this alteration is inconclusive. Based on the available evidence, the clinical significance of this variant remains unclear.